The following is an entry in ClinVar:

ClinVar aggregate classification (germline): Uncertain significance. Review status: criteria provided, multiple submitters, no conflicts (2 of 4 stars). 2 submissions from 2 submitters: Uncertain significance (2). Last evaluated 2023-12-26.

Conditions:
Inborn genetic diseases. Identifiers: MedGen C0950123, MeSH D030342.
Werner syndrome (WRN). Identifiers: Orphanet 902, MedGen C0043119, MONDO:0010196, OMIM 277700.

Submissions (2):

Ambry Genetics
Classification: Uncertain significance for Inborn genetic diseases. Last evaluated: 2023-12-26. Review status: criteria provided, single submitter. Criteria: Ambry Variant Classification Scheme 2023. Collection method: clinical testing. Allele origin: germline.

Labcorp Genetics (formerly Invitae), Labcorp
Classification: Uncertain significance for Werner syndrome. Last evaluated: 2023-08-10. Review status: criteria provided, single submitter. Criteria: Invitae Variant Classification Sherloc (09022015). Collection method: clinical testing. Allele origin: germline.
Comment: In summary, the available evidence is currently insufficient to determine the role of this variant in disease. Therefore, it has been classified as a Variant of Uncertain Significance. An algorithm developed to predict the effect of missense changes on protein structure and function (PolyPhen-2) suggests that this variant is likely to be disruptive. ClinVar contains an entry for this variant (Variation ID: 1717327). This variant has not been reported in the literature in individuals affected with WRN-related conditions. This variant is not present in population databases (gnomAD no frequency). This sequence change replaces phenylalanine, which is neutral and non-polar, with cysteine, which is neutral and slightly polar, at codon 1037 of the WRN protein (p.Phe1037Cys).

NM_000553.6(WRN):c.3110T>G (p.Phe1037Cys)

Gene: WRN (WRN RecQ like helicase; plus strand). Cytogenetic location: 8p12.
Variant type: single nucleotide variant.
Coding change: c.3110T>G on transcript NM_000553.6 (MANE Select); coding-DNA position 3110, T replaced by G.
Protein change: p.Phe1037Cys; replaces phenylalanine 1037 with cysteine.
Molecular consequence: missense variant.
Genome position (GRCh38, 1-based): chr8:31,141,572, T>G. VCF-style: chr8-31141572-T-G. GRCh37 (hg19) VCF-style: chr8-30999088-T-G.
Other names: short protein forms F1037C.
Identifiers: ClinVar variation 1717327 (VCV001717327.6), dbSNP rs2536030441, ClinGen allele CA370922440.
Genomic context (GRCh38, chr8:31,141,572, plus strand): 5'-CTTTTTCCCGTCAGCTGATCACTGAGGGATTCTTGGTAGAAGTTTCTCGGTATAACAAAT[T>G]TATGAAGATTTGCGCCCTTACGAAAAAGGTAAACGGTGTAGGAGTCTGCCTGTTTGACTT-3'
Protein context (NP_000544.2, residues 1027-1047): FLVEVSRYNK[Phe1037Cys]MKICALTKKG